The following is an entry in ClinVar:

NM_020338.4(ZMIZ1):c.2875A>G (p.Ile959Val)

Gene: ZMIZ1 (zinc finger MIZ-type containing 1; plus strand). Cytogenetic location: 10q22.3.
Variant type: single nucleotide variant.
Coding change: c.2875A>G on transcript NM_020338.4 (MANE Select); coding-DNA position 2875, A replaced by G.
Protein change: p.Ile959Val; replaces isoleucine 959 with valine.
Molecular consequence: missense variant.
Genome position (GRCh38, 1-based): chr10:79,310,963, A>G. VCF-style: chr10-79310963-A-G. GRCh37 (hg19) VCF-style: chr10-81070720-A-G.
Other names: short protein forms I959V.
Identifiers: ClinVar variation 4754019 (VCV004754019.1).

ClinVar aggregate classification (germline): Uncertain significance (1 of 4 stars; one submission).

gnomAD v4.1: 42 of 1,613,068 alleles (0.0026%); highest among the groups gnomAD compares: Non-Finnish European, 0.0035%; no homozygotes.

Submission:

Labcorp Genetics (formerly Invitae), Labcorp
Classification: Uncertain significance. Last evaluated: 2025-03-03. Review status: criteria provided, single submitter. Criteria: Invitae Variant Classification Sherloc (09022015). Collection method: clinical testing. Allele origin: germline.
Comment: This sequence change replaces isoleucine, which is neutral and non-polar, with valine, which is neutral and non-polar, at codon 959 of the ZMIZ1 protein (p.Ile959Val). This variant is present in population databases (rs748589299, gnomAD 0.003%). This variant has not been reported in the literature in individuals affected with ZMIZ1-related conditions. Invitae Evidence Modeling of protein sequence and biophysical properties (such as structural, functional, and spatial information, amino acid conservation, physicochemical variation, residue mobility, and thermodynamic stability) indicates that this missense variant is not expected to disrupt ZMIZ1 protein function with a negative predictive value of 95%. In summary, the available evidence is currently insufficient to determine the role of this variant in disease. Therefore, it has been classified as a Variant of Uncertain Significance.